The following is an entry in ClinVar:

ClinVar aggregate classification (germline): Uncertain significance (1 of 4 stars; one submission).

Conditions:
Autoimmune lymphoproliferative syndrome type 1. Also called: AUTOIMMUNE LYMPHOPROLIFERATIVE SYNDROME, TYPE I, AUTOSOMAL DOMINANT. Identifiers: Orphanet 3261, MedGen C2717884, MONDO:0011158, OMIM 601859.

Submission:

Labcorp Genetics (formerly Invitae), Labcorp
Classification: Uncertain significance for Autoimmune lymphoproliferative syndrome. Last evaluated: 2022-06-04. Review status: criteria provided, single submitter. Criteria: Invitae Variant Classification Sherloc (09022015). Collection method: clinical testing. Allele origin: germline.
Comment: This variant, c.162_188dup, results in the insertion of 9 amino acid(s) of the FASLG protein (p.Pro57_Pro65dup), but otherwise preserves the integrity of the reading frame. This variant is present in population databases (no rsID available, gnomAD no frequency). This variant has not been reported in the literature in individuals affected with FASLG-related conditions. In summary, the available evidence is currently insufficient to determine the role of this variant in disease. Therefore, it has been classified as a Variant of Uncertain Significance.

NM_000639.3(FASLG):c.162_188dup (p.Pro65_Leu66insProProProProProProLeuProPro)

Gene: FASLG (Fas ligand; plus strand). Cytogenetic location: 1q24.3.
Variant type: Duplication.
Coding change: c.162_188dup on transcript NM_000639.3 (MANE Select); coding-DNA positions 162 to 188, 27 bases duplicated (ACCACCTCCGCCGCCGCCGCCACCACT).
Protein change: p.Pro65_Leu66insProProProProProProLeuProPro.
Molecular consequence: inframe insertion.
Genome position (GRCh38, 1-based): chr1:172,659,363-172,659,389, ACCACCTCCGCCGCCGCCGCCACCACT duplicated; duplicating any 27 consecutive bases within chr1:172,659,352-172,659,389 gives the same sequence; the c. name uses the placement nearest the transcript's 3' end. VCF-style (leftmost placement, unchanged base first): chr1-172659351-A-ACCGCCACCACTACCACCTCCGCCGCCG. GRCh37 (hg19) VCF-style: chr1-172628491-A-ACCGCCACCACTACCACCTCCGCCGCCG.
Other names: c.162_188dup, p.Pro65_Leu66insProProProProProProLeuProPro (NM_001302746.2).
Identifiers: ClinVar variation 1980785 (VCV001980785.1), dbSNP rs745612881, ClinGen allele CA527602095.